The following is an entry in ClinVar:

ClinVar aggregate classification (germline): Likely pathogenic (1 of 4 stars; one submission).

Conditions:
Dilated cardiomyopathy 1G (CMD1G). Identifiers: Orphanet 154, MedGen C1858763, MONDO:0011400, OMIM 604145.
Autosomal recessive limb-girdle muscular dystrophy type 2J (LGMDR10). Also called: Limb-girdle muscular dystrophy, type 2J; MUSCULAR DYSTROPHY, LIMB-GIRDLE, AUTOSOMAL RECESSIVE 10. Identifiers: Orphanet 140922, MedGen C1837342, MONDO:0012127, OMIM 608807.

Submission:

Labcorp Genetics (formerly Invitae), Labcorp
Classification: Likely pathogenic for Dilated cardiomyopathy 1G; Autosomal recessive limb-girdle muscular dystrophy type 2J. Last evaluated: 2025-09-15. Review status: criteria provided, single submitter. Criteria: Invitae Variant Classification Sherloc (09022015). Collection method: clinical testing. Allele origin: germline.
Comment: This sequence change creates a premature translational stop signal (p.Glu10800Glyfs*8) in the TTN gene. While this is not anticipated to result in nonsense mediated decay, it is expected to create a truncated TTN protein. This variant is not present in population databases (gnomAD no frequency). This variant has not been reported in the literature in individuals affected with TTN-related conditions. Algorithms developed to predict the effect of sequence changes on RNA splicing suggest that this variant may create or strengthen a splice site. This variant is located in the I band of TTN (PMID: 25589632). Truncating variants in this region have been reported in individuals affected with autosomal recessive centronuclear myopathy (PMID: 23975875, internal data). Truncating variants in this region have also been identified in individuals affected with autosomal dominant dilated cardiomyopathy and/or cardio-related conditions (PMID: 27869827, 32964742, internal data). In summary, the currently available evidence indicates that the variant is pathogenic, but additional data are needed to prove that conclusively. Therefore, this variant has been classified as Likely Pathogenic.

Literature cited by the submitters: PubMed 25589632; PubMed 23975875; PubMed 27869827; PubMed 32964742.

NM_001267550.2(TTN):c.32399_32402del (p.Glu10800fs)

Gene: TTN (titin; minus strand). Cytogenetic location: 2q31.2.
Variant type: Microsatellite.
Coding change: c.32399_32402del on transcript NM_001267550.2 (MANE Select); coding-DNA positions 32399 to 32402, 4 bases deleted (AGAG; older notation c.32399_32402delAGAG).
Protein change: p.Glu10800fs; shifts the reading frame from glutamic acid 10800.
Molecular consequence: frameshift variant. On other transcripts: intron variant (3).
Genome position (GRCh38, 1-based): chr2:178,685,321-178,685,324, CTCT deleted on the plus strand (AGAG on the coding strand, the reverse complement: TTN is on the minus strand); deleting any 4 consecutive bases within chr2:178,685,321-178,685,326 gives the same sequence; the c. name uses the placement nearest the transcript's 3' end. VCF-style (leftmost placement, unchanged base first): chr2-178685320-CCTCT-C. GRCh37 (hg19) VCF-style: chr2-179550047-CCTCT-C.
Other names: c.31448_31451del, p.Glu10483fs (NM_001256850.1); c.28667_28670del, p.Glu9556fs (NM_133378.4); c.13283-43007_13283-43004del (NM_003319.4); c.13859-43007_13859-43004del (NM_133437.4); c.13658-43007_13658-43004del (NM_133432.3); short protein forms E10800fs, E9556fs, E10483fs.
Identifiers: ClinVar variation 4783034 (VCV004783034.1).